The following is an entry in ClinVar:

NM_024642.5(GALNT12):c.1603G>A (p.Glu535Lys)

Gene: GALNT12 (polypeptide N-acetylgalactosaminyltransferase 12; plus strand). Cytogenetic location: 9q22.33.
Variant type: single nucleotide variant.
Coding change: c.1603G>A on transcript NM_024642.5 (MANE Select); coding-DNA position 1603, G replaced by A.
Protein change: p.Glu535Lys; replaces glutamic acid 535 with lysine.
Molecular consequence: missense variant.
Genome position (GRCh38, 1-based): chr9:98,846,121, G>A. VCF-style: chr9-98846121-G-A. GRCh37 (hg19) VCF-style: chr9-101608403-G-A.
Other names: short protein forms E535K.
Identifiers: ClinVar variation 4027997 (VCV004027997.1).

ClinVar aggregate classification (germline): Uncertain significance (1 of 4 stars; one submission).

Submission:

Ambry Genetics
Classification: Uncertain significance. Last evaluated: 2025-03-25. Review status: criteria provided, single submitter. Criteria: Ambry Variant Classification Scheme 2023. Collection method: clinical testing. Allele origin: germline.
Comment: The p.E535K variant (also known as c.1603G>A), located in coding exon 9 of the GALNT12 gene, results from a G to A substitution at nucleotide position 1603. The glutamic acid at codon 535 is replaced by lysine, an amino acid with similar properties. This amino acid position is conserved. In addition, this alteration is predicted to be tolerated by in silico analysis. Based on the available evidence, the clinical significance of this variant remains unclear.